The following is an entry in ClinVar:

ClinVar aggregate classification (germline): Uncertain significance (1 of 4 stars; one submission).

Submission:

Labcorp Genetics (formerly Invitae), Labcorp
Classification: Uncertain significance. Last evaluated: 2021-10-06. Review status: criteria provided, single submitter. Criteria: Invitae Variant Classification Sherloc (09022015). Collection method: clinical testing. Allele origin: germline.
Comment: In summary, the available evidence is currently insufficient to determine the role of this variant in disease. Therefore, it has been classified as a Variant of Uncertain Significance. Algorithms developed to predict the effect of missense changes on protein structure and function are either unavailable or do not agree on the potential impact of this missense change (SIFT: "Not Available"; PolyPhen-2: "Possibly Damaging"; Align-GVGD: "Not Available"). This variant has not been reported in the literature in individuals affected with CEP250-related conditions. This variant is not present in population databases (ExAC no frequency). This sequence change replaces arginine with glutamine at codon 2307 of the CEP250 protein (p.Arg2307Gln). The arginine residue is highly conserved and there is a small physicochemical difference between arginine and glutamine.

NM_007186.6(CEP250):c.6920G>A (p.Arg2307Gln)

Gene: CEP250 (centrosomal protein 250; plus strand). Cytogenetic location: 20q11.22.
Variant type: single nucleotide variant.
Coding change: c.6920G>A on transcript NM_007186.6 (MANE Select); coding-DNA position 6920, G replaced by A.
Protein change: p.Arg2307Gln; replaces arginine 2307 with glutamine.
Molecular consequence: missense variant.
Genome position (GRCh38, 1-based): chr20:35,508,956, G>A. VCF-style: chr20-35508956-G-A. GRCh37 (hg19) VCF-style: chr20-34096785-G-A.
Other names: c.5024G>A, p.Arg1675Gln (NM_001318219.1); short protein forms R1675Q, R2307Q.
Identifiers: ClinVar variation 1372619 (VCV001372619.6), dbSNP rs367904996, ClinGen allele CA314164674.